The following is an entry in ClinVar:

ClinVar aggregate classification (germline): Uncertain significance. Review status: criteria provided, multiple submitters, no conflicts (2 of 4 stars). 2 submissions from 2 submitters: Uncertain significance (2). Last evaluated 2025-09-05.

Allele frequency attached by ClinVar (database versions not stated): gnomAD 0.00003; ESP Exome Variant Server 0.00008.
gnomAD v4.1: 59 of 1,613,796 alleles (0.0037%); highest among the groups gnomAD compares: South Asian, 0.013%; 1 homozygote.

Submissions (2):

Ambry Genetics
Classification: Uncertain significance. Last evaluated: 2025-09-05. Review status: criteria provided, single submitter. Criteria: Ambry Variant Classification Scheme 2023. Collection method: clinical testing. Allele origin: germline.

Labcorp Genetics (formerly Invitae), Labcorp
Classification: Uncertain significance. Last evaluated: 2023-05-23. Review status: criteria provided, single submitter. Criteria: Invitae Variant Classification Sherloc (09022015). Collection method: clinical testing. Allele origin: germline.
Comment: An algorithm developed to predict the effect of missense changes on protein structure and function (PolyPhen-2) suggests that this variant is likely to be tolerated. In summary, the available evidence is currently insufficient to determine the role of this variant in disease. Therefore, it has been classified as a Variant of Uncertain Significance. This variant has not been reported in the literature in individuals affected with KANK4-related conditions. This variant is present in population databases (rs371517518, gnomAD 0.006%). This sequence change replaces glutamic acid, which is acidic and polar, with lysine, which is basic and polar, at codon 804 of the KANK4 protein (p.Glu804Lys).

NM_181712.5(KANK4):c.2410G>A (p.Glu804Lys)

Gene: KANK4 (KN motif and ankyrin repeat domains 4; minus strand). Cytogenetic location: 1p31.3.
Variant type: single nucleotide variant.
Coding change: c.2410G>A on transcript NM_181712.5 (MANE Select); coding-DNA position 2410, G replaced by A.
Protein change: p.Glu804Lys; replaces glutamic acid 804 with lysine.
Molecular consequence: missense variant.
Genome position (GRCh38, 1-based): chr1:62,263,221, C>T on the plus strand (G>A on the coding strand, the complement: KANK4 is on the minus strand). VCF-style: chr1-62263221-C-T. GRCh37 (hg19) VCF-style: chr1-62728893-C-T.
Other names: c.526G>A, p.Glu176Lys (NM_001320269.2); c.2410G>A (NM_181712.4); short protein forms E804K, E176K.
Identifiers: ClinVar variation 2993408 (VCV002993408.4), dbSNP rs371517518, ClinGen allele CA884102.